The following is an entry in ClinVar:

NM_001034853.2(RPGR):c.865A>G (p.Ile289Val)

Gene: RPGR (retinitis pigmentosa GTPase regulator; minus strand). Cytogenetic location: Xp11.4.
Variant type: single nucleotide variant.
Coding change: c.865A>G on transcript NM_001034853.2 (MANE Select); coding-DNA position 865, A replaced by G.
Protein change: p.Ile289Val; replaces isoleucine 289 with valine.
Molecular consequence: missense variant. On other transcripts: non-coding transcript variant (5).
Genome position (GRCh38, 1-based): chrX:38,304,704, T>C on the plus strand (A>G on the coding strand, the complement: RPGR is on the minus strand). VCF-style: chrX-38304704-T-C. GRCh37 (hg19) VCF-style: chrX-38163957-T-C.
Other names: NM_001034853.2(RPGR):c.865A>G; c.865A>G (NM_001034853.1); c.865A>G, p.Ile289Val (NM_000328.3, NM_001367246.1, NM_001367247.1 and 1 more transcripts); c.862A>G, p.Ile288Val (NM_001367245.1, NM_001367249.1, NM_001367250.1); c.895A>G, p.Ile299Val (NM_001367248.1); short protein forms I289V, I299V, I288V.
Identifiers: ClinVar variation 98806 (VCV000098806.25), dbSNP rs62640587, ClinGen allele CA226452.

ClinVar aggregate classification (germline): Benign. Review status: reviewed by expert panel (3 of 4 stars). 8 submissions from 8 submitters: Benign (1). 7 of the submissions do not count toward it. Last evaluated 2025-05-20.

Conditions:
RPGR-related retinopathy. Also called: RPGR retinopathy. Identifiers: MedGen CN305589, MONDO:0100437.
RPGR-related disorder. Also called: RPGR-related condition.
Retinitis pigmentosa (RP). Identifiers: Orphanet 791, MedGen C0035334, MeSH D012174, MONDO:0019200, OMIM 268000. Inheritance: Autosomal dominant, autosomal recessive and X linked inheritance.
Primary ciliary dyskinesia. Also called: Ciliary dyskinesia. Identifiers: Orphanet 244, MedGen C0008780, MONDO:0016575, HP:0012265.

Allele frequency attached by ClinVar (database versions not stated): gnomAD 0.00005; ESP Exome Variant Server 0.00009; gnomAD exomes 0.00012 and 0.00014; ExAC 0.00015; TOPMed 0.00018.

Submissions (8):

ClinGen X-linked Inherited Retinal Disease Variant Curation Expert Panel, ClinGen
Classification: Benign for RPGR-related retinopathy. Last evaluated: 2025-05-20. Review status: reviewed by expert panel. Criteria: ClinGen X LinkedIRD ACMG Specifications RPGR V1.0.0. Collection method: curation. Allele origin: germline. Inheritance: X-linked inheritance.
Comment: NM_001034853.2(RPGR):c.865A>G (p.Ile289Val) is a missense variant predicted to cause substitution of isoleucine by valine at amino acid 289. This variant is present in gnomAD v.4.1.0 at a frequency of 0.0001308 among hemizygous individuals, with 51 variant alleles / 389,832 total hemizygous alleles, which is higher than the ClinGen X-linked IRD VCEP BA1 threshold of >0.00005 (BA1). The variant co-segregates with X-linked retinitis pigmentosa or milder phenotypes in female carriers across 5 meioses in a single family, however, the description of phenotypes is insufficiently detailed to meet PP4 or PP1 (PMID: 10482958). This variant has been reported in at least 2 apparently unrelated probands meeting one of the PS4 requirements of a male with some functional vision impairment by age 30 and/or decreased or absent ERG responses, or a female with functional visual abnormality and documentation of a male relative affected with retinitis pigmentosa (PMIDs: 32531858, 28863407). However, because the variant meets BA1, PS4_Supporting cannot be met. The variant protein exhibits decreased interaction with RPGRIP1 in a yeast-2-hybrid assay (PMID: 23213406, PS3_Supporting). The computational predictor REVEL gives the variant a score of 0.553, which is above the ClinGen X-linked IRD VCEP BP4 threshold of <0.290 and below the PP3 threshold of >0.644, so BP4 and PP3 are not met. The computational splicing predictor SpliceAI gives the variant a delta score of 0.01 for acceptor gain, which is below the ClinGen X-linked IRD VCEP BP4 threshold of <0.2 and indicates that the variant has no predicted impact on splicing. In summary, this variant meets the criteria to be classified as benign for RPGR-related retinopathy based on the ClinGen X-linked Inherited Retinal Disease Expert Panel Specifications to the ACMG/AMP Variant Interpretation Guidelines for RPGR Version 1.0.0; BA1 and PS3_Supporting. (date of approval 05/16/2025).

Labcorp Genetics (formerly Invitae), Labcorp
Classification: Benign for Primary ciliary dyskinesia. Last evaluated: 2026-01-14. Review status: criteria provided, single submitter. Criteria: Invitae Variant Classification Sherloc (09022015). Collection method: clinical testing. Allele origin: germline. Not counted in ClinVar's aggregate classification.

CeGaT Center for Human Genetics Tuebingen
Classification: Likely benign. Last evaluated: 2025-11-01. Review status: criteria provided, single submitter. Criteria: CeGaT Center For Human Genetics Tuebingen Variant Classification Criteria Version 2. Collection method: clinical testing. Allele origin: germline. Affected: yes. Observed: 1 variant allele. Not counted in ClinVar's aggregate classification.
Comment: RPGR: BP4, BS2

Blueprint Genetics
Classification: Likely benign. Last evaluated: 2023-10-13. Review status: criteria provided, single submitter. Criteria: ACMG Guidelines, 2015. Collection method: clinical testing. Allele origin: germline. Not counted in ClinVar's aggregate classification.

Women's Health and Genetics/Laboratory Corporation of America, LabCorp
Classification: Uncertain significance. Last evaluated: 2022-02-03. Review status: criteria provided, single submitter. Criteria: LabCorp Variant Classification Summary - May 2015. Collection method: clinical testing. Allele origin: germline. Not counted in ClinVar's aggregate classification.
Comment: Variant summary: RPGR c.865A>G (p.Ile289Val) results in a conservative amino acid change in the encoded protein sequence. Five of five in-silico tools predict a benign effect of the variant on protein function. The variant allele was found at a frequency of 0.00014 in 181885 control chromosomes. This frequency is not significantly higher than expected for a pathogenic variant in RPGR causing Retinitis Pigmentosa, X-Linked (0.00014 vs 0.005), however 8 hemizygotes are present in the gnomad population database, suggesting the variant may benign. c.865A>G has been reported in the literature in individuals affected with Retinitis Pigmentosa, X-Linked including in a family with 2 affected males and 3 female carriers, where only the RPGR gene was tested (Miano_1999, Churchill_2013, Weisschuh_2020). These reports do not provide unequivocal conclusions about association of the variant with Retinitis Pigmentosa, X-Linked. To our knowledge, no experimental evidence demonstrating an impact on protein function has been reported. Two clinical diagnostic laboratories have submitted clinical-significance assessments for this variant to ClinVar after 2014 without evidence for independent evaluation. All laboratories classified the variant as benign/likely benign. Based on the evidence outlined above, the variant was classified as uncertain significance.

Mendelics
Classification: Likely benign for Retinitis pigmentosa. Last evaluated: 2019-05-28. Review status: criteria provided, single submitter. Criteria: Mendelics Assertion Criteria 2017. Collection method: clinical testing. Allele origin: unknown. Not counted in ClinVar's aggregate classification.

PreventionGenetics, part of Exact Sciences
Classification: Likely benign for RPGR-related condition. Last evaluated: 2021-09-23. Review status: no assertion criteria provided. Collection method: clinical testing. Allele origin: germline. Not counted in ClinVar's aggregate classification.
Comment: This variant is classified as likely benign based on ACMG/AMP sequence variant interpretation guidelines (Richards et al. 2015 PMID: 25741868, with internal and published modifications).

Retina International
No classification provided. Review status: no classification provided. Collection method: not provided. Allele origin: not provided. Not counted in ClinVar's aggregate classification.

Literature cited by the submitters: PubMed 32531858 (cited by Women's Health and Genetics/Laboratory Corporation of America, LabCorp); PubMed 23372056 (cited by Women's Health and Genetics/Laboratory Corporation of America, LabCorp); PubMed 10482958 (cited by Women's Health and Genetics/Laboratory Corporation of America, LabCorp).